The following is an entry in ClinVar:

NM_006924.5(SRSF1):c.241G>A (p.Gly81Arg)

Gene: SRSF1 (serine and arginine rich splicing factor 1; minus strand). Cytogenetic location: 17q22.
Variant type: single nucleotide variant.
Coding change: c.241G>A on transcript NM_006924.5 (MANE Select); coding-DNA position 241, G replaced by A.
Protein change: p.Gly81Arg; replaces glycine 81 with arginine.
Molecular consequence: missense variant. On other transcripts: non-coding transcript variant (2).
Genome position (GRCh38, 1-based): chr17:58,006,481, C>T on the plus strand (G>A on the coding strand, the complement: SRSF1 is on the minus strand). VCF-style: chr17-58006481-C-T. GRCh37 (hg19) VCF-style: chr17-56083842-C-T.
Other names: c.241G>A, p.Gly81Arg (NM_001078166.2); short protein forms G81R.
Identifiers: ClinVar variation 3363491 (VCV003363491.2).

ClinVar aggregate classification (germline): Uncertain significance (1 of 4 stars; one submission).

Submission:

GeneDx
Classification: Uncertain significance. Last evaluated: 2025-09-12. Review status: criteria provided, single submitter. Criteria: GeneDx Variant Classification Process June 2021. Collection method: clinical testing. Allele origin: germline.
Comment: Not observed at significant frequency in large population cohorts (gnomAD); In silico analysis supports that this missense variant has a deleterious effect on protein structure/function; Has not been previously published as pathogenic or benign to our knowledge